The following is an entry in ClinVar:

ClinVar aggregate classification (germline): Likely benign (1 of 4 stars; one submission).

Allele frequency attached by ClinVar (database versions not stated): 1000 Genomes Project 0.00020; 1000 Genomes Project 30x 0.00031.

Submission:

CeGaT Center for Human Genetics Tuebingen
Classification: Likely benign. Last evaluated: 2022-06-01. Review status: criteria provided, single submitter. Criteria: CeGaT Center For Human Genetics Tuebingen Variant Classification Criteria Version 2. Collection method: clinical testing. Allele origin: germline. Affected: yes. Observed: 1 variant allele.
Comment: ARHGEF5: BP4, BP7

NM_005435.4(ARHGEF5):c.906C>T (p.Asp302=)

Gene: ARHGEF5 (Rho guanine nucleotide exchange factor 5; plus strand). Cytogenetic location: 7q35.
Variant type: single nucleotide variant.
Coding change: c.906C>T on transcript NM_005435.4 (MANE Select); coding-DNA position 906, C replaced by T.
Protein change: p.Asp302=; no amino-acid change (aspartic acid 302 retained).
Molecular consequence: synonymous variant.
Genome position (GRCh38, 1-based): chr7:144,363,575, C>T. VCF-style: chr7-144363575-C-T. GRCh37 (hg19) VCF-style: chr7-144060668-C-T.
Identifiers: ClinVar variation 2658126 (VCV002658126.24), dbSNP rs543899386, ClinGen allele CA168299909.